The following is an entry in ClinVar:

NM_153816.6(SNX14):c.677A>G (p.Tyr226Cys)

Gene: SNX14 (sorting nexin 14; minus strand). Cytogenetic location: 6q14.3.
Variant type: single nucleotide variant.
Coding change: c.677A>G on transcript NM_153816.6 (MANE Select); coding-DNA position 677, A replaced by G.
Protein change: p.Tyr226Cys; replaces tyrosine 226 with cysteine.
Molecular consequence: missense variant. On other transcripts: non-coding transcript variant (6), intron variant (2), 5 prime UTR variant (7).
Genome position (GRCh38, 1-based): chr6:85,549,837, T>C on the plus strand (A>G on the coding strand, the complement: SNX14 is on the minus strand). VCF-style: chr6-85549837-T-C. GRCh37 (hg19) VCF-style: chr6-86259555-T-C.
Other names: c.674A>G, p.Tyr225Cys (NM_001350533.2, NM_001350534.2, NM_001350535.2); c.545A>G, p.Tyr182Cys (NM_001350536.2, NM_020468.6); c.542A>G, p.Tyr181Cys (NM_001350537.2); c.518A>G, p.Tyr173Cys (NM_001350539.2); c.677A>G, p.Tyr226Cys (NM_001350540.2, NM_001350541.2, NM_001297614.3); c.389A>G, p.Tyr130Cys (NM_001350542.2); c.521A>G, p.Tyr174Cys (NM_001304479.2); c.740A>G, p.Tyr247Cys (NM_001350532.2); and 7 more; short protein forms Y173C, Y226C, Y130C, Y174C, Y181C, Y182C, Y129C, Y247C.
Identifiers: ClinVar variation 2175211 (VCV002175211.5), dbSNP rs142300625, ClinGen allele CA3912357.

ClinVar aggregate classification (germline): Uncertain significance. Review status: criteria provided, multiple submitters, no conflicts (2 of 4 stars). 2 submissions from 2 submitters: Uncertain significance (2). Last evaluated 2022-03-15.

Conditions:
Inborn genetic diseases. Identifiers: MedGen C0950123, MeSH D030342.

Allele frequency attached by ClinVar (database versions not stated): gnomAD exomes below 0.00001; ExAC 0.00001; gnomAD 0.00005; TOPMed 0.00005; 1000 Genomes Project 0.00020; ESP Exome Variant Server 0.00023; 1000 Genomes Project 30x 0.00047.
gnomAD v4.1: 14 of 1,613,570 alleles (0.00087%); highest among the groups gnomAD compares: African/African-American, 0.012%; no homozygotes.

Submissions (2):

Labcorp Genetics (formerly Invitae), Labcorp
Classification: Uncertain significance. Last evaluated: 2022-03-15. Review status: criteria provided, single submitter. Criteria: Invitae Variant Classification Sherloc (09022015). Collection method: clinical testing. Allele origin: germline.
Comment: In summary, the available evidence is currently insufficient to determine the role of this variant in disease. Therefore, it has been classified as a Variant of Uncertain Significance. Algorithms developed to predict the effect of missense changes on protein structure and function are either unavailable or do not agree on the potential impact of this missense change (SIFT: "Deleterious"; PolyPhen-2: "Probably Damaging"; Align-GVGD: "Class C15"). This variant has not been reported in the literature in individuals affected with SNX14-related conditions. This variant is present in population databases (rs142300625, gnomAD 0.02%). This sequence change replaces tyrosine, which is neutral and polar, with cysteine, which is neutral and slightly polar, at codon 226 of the SNX14 protein (p.Tyr226Cys).

Ambry Genetics
Classification: Uncertain significance for Inborn genetic diseases. Last evaluated: 2021-06-08. Review status: criteria provided, single submitter. Criteria: Ambry Variant Classification Scheme 2023. Collection method: clinical testing. Allele origin: germline.